The following is an entry in ClinVar:

ClinVar aggregate classification (germline): Pathogenic/Likely pathogenic. Review status: criteria provided, multiple submitters, no conflicts (2 of 4 stars). 2 submissions from 2 submitters: Pathogenic (1); Likely pathogenic (1). Last evaluated 2025-04-02.

Conditions:
Ehlers-Danlos syndrome due to tenascin-X deficiency (EDSCLL1). Also called: TNXB-Related Classical-Like Ehlers-Danlos Syndrome; TNX DEFICIENCY; EDS DUE TO TNX DEFICIENCY; EHLERS-DANLOS SYNDROME, CLASSIC-LIKE; Ehlers-Danlos syndrome, classic-like, 1. Identifiers: Orphanet 230839, MedGen C1848029, MONDO:0011670, OMIM 606408.
Vesicoureteral reflux 8 (VUR8). Identifiers: Orphanet 289365, MedGen C4014831, MONDO:0014422, OMIM 615963.

Submissions (2):

Myriad Genetics, Inc.
Classification: Pathogenic for Ehlers-Danlos syndrome due to tenascin-X deficiency. Last evaluated: 2025-04-02. Review status: criteria provided, single submitter. Criteria: Myriad Autosomal Dominant, Autosomal Recessive and X-Linked Classification Criteria (2023). Collection method: clinical testing. Allele origin: unknown.
Comment: NM_019105.6(TNXB):c.2543_2546dupTGGT(A850Gfs*18) is expected to be pathogenic in the context of classical-like Ehlers-Danlos syndrome, TNXB-related. This variant is predicted to lead to an abnormal or absent protein product due to the creation of a premature termination codon in TNXB, a gene where loss-of-function variants are known to be pathogenic. Please note: this variant was assessed in the context of healthy population screening.

Fulgent Genetics
Classification: Likely pathogenic for Ehlers-Danlos syndrome due to tenascin-X deficiency; Vesicoureteral reflux 8. Last evaluated: 2024-06-10. Review status: criteria provided, single submitter. Criteria: ACMG Guidelines, 2015. Collection method: clinical testing. Allele origin: germline.

NM_001365276.2(TNXB):c.2543_2546dup (p.Ala850fs)

Gene: TNXB (tenascin XB; minus strand). Cytogenetic location: 6p21.33.
Variant type: Duplication.
Coding change: c.2543_2546dup on transcript NM_001365276.2 (MANE Select); coding-DNA positions 2543 to 2546, 4 bases duplicated (TGGT; older notation c.2543_2546dupTGGT).
Protein change: p.Ala850fs; shifts the reading frame from alanine 850.
Molecular consequence: frameshift variant.
Genome position (GRCh38, 1-based): chr6:32,089,018-32,089,021, ACCA duplicated on the plus strand (TGGT on the coding strand, the reverse complement: TNXB is on the minus strand). VCF-style (leftmost placement, unchanged base first): chr6-32089017-C-CACCA. GRCh37 (hg19) VCF-style: chr6-32056794-C-CACCA.
Other names: c.2543_2546dup, p.Ala850fs (NM_001428335.1, NM_019105.8); short protein forms A850fs.
Identifiers: ClinVar variation 3593477 (VCV003593477.2).
Genomic context (GRCh38, chr6:32,089,017, plus strand): 5'-TCGGTCCACCTCAGCCTGGGGACGCAGCCAGCCAAGCTCCAGTGTTGTCGGTGTCACAGC[C>CACCA]ACCACTCGGAGGTCCTGGGGCCCATCGATCACTAGCCAGGTTAAAGAGGAGGACTCAGGT-3'